The following is an entry in ClinVar:

ClinVar aggregate classification (germline): Likely benign (1 of 4 stars; one submission).

Allele frequency attached by ClinVar (database versions not stated): gnomAD 0.00005; gnomAD exomes 0.00005; ExAC 0.00007; TOPMed 0.00007; 1000 Genomes Project 30x 0.00031; 1000 Genomes Project 0.00040.
gnomAD v4.1: 86 of 1,612,966 alleles (0.0053%); highest among the groups gnomAD compares: South Asian, 0.024%; 1 homozygote.

Submission:

CeGaT Center for Human Genetics Tuebingen
Classification: Likely benign. Last evaluated: 2023-06-01. Review status: criteria provided, single submitter. Criteria: CeGaT Center For Human Genetics Tuebingen Variant Classification Criteria Version 2. Collection method: clinical testing. Allele origin: germline. Affected: yes. Observed: 2 variant alleles.
Comment: DLL1: BP4, BP7

NM_005618.4(DLL1):c.1950C>T (p.Asp650=)

Genes: DLL1 (delta like canonical Notch ligand 1; minus strand), LOC126859913 (P300/CBP strongly-dependent group 1 enhancer GRCh37_chr6:170591232-170592431; plus strand). Cytogenetic location: 6q27.
Variant type: single nucleotide variant.
Coding change: c.1950C>T on transcript NM_005618.4 (MANE Select); coding-DNA position 1950, C replaced by T.
Protein change: p.Asp650=; no amino-acid change (aspartic acid 650 retained).
Molecular consequence: synonymous variant.
Genome position (GRCh38, 1-based): chr6:170,283,329, G>A on the plus strand (C>T on the coding strand, the complement: DLL1 is on the minus strand). VCF-style: chr6-170283329-G-A. GRCh37 (hg19) VCF-style: chr6-170592417-G-A.
Identifiers: ClinVar variation 2657151 (VCV002657151.24), dbSNP rs570176152, ClinGen allele CA4106675.